The following is an entry in ClinVar:

NM_000354.5(SERPINA7):c.631G>A (p.Ala211Thr)

Gene: SERPINA7 (serpin family A member 7; minus strand). Cytogenetic location: Xq22.3.
Variant type: single nucleotide variant.
Coding change: c.631G>A on transcript NM_000354.5; coding-DNA position 631, G replaced by A.
Protein change: p.Ala211Thr; replaces alanine 211 with threonine.
Molecular consequence: missense variant (on NM_000354.6).
Genome position (GRCh38, 1-based): chrX:106,035,377, C>T on the plus strand (G>A on the coding strand, the complement: SERPINA7 is on the minus strand). VCF-style: chrX-106035377-C-T. GRCh37 (hg19) VCF-style: chrX-105279368-C-T.
Other names: A191T; TBG-ABORIGINE; c.631G>A, p.Ala211Thr (NM_000354.6); short protein forms A211T.
Identifiers: ClinVar variation 9784 (VCV000009784.30), dbSNP rs2234036, ClinGen allele CA120661.

ClinVar aggregate classification (germline): Conflicting classifications of pathogenicity. Review status: criteria provided, conflicting classifications (1 of 4 stars). 5 submissions from 5 submitters: Uncertain significance (1); Benign (2); Likely benign (1). 1 of the submissions does not count toward it. Last evaluated 2025-03-01.

Conditions:
SERPINA7-related disorder. Also called: SERPINA7-related condition.
Thyroxine-binding globulin deficiency. Identifiers: MedGen C1839141.
Thyroxine-binding globulin, variant A.

Allele frequency attached by ClinVar (database versions not stated): gnomAD 0.00076 and 0.00157; TOPMed 0.00114; gnomAD exomes 0.00192 and 0.00487; ExAC 0.00495; 1000 Genomes Project 30x 0.00957; 1000 Genomes Project 0.01086.
gnomAD v4.1: 2,400 of 1,208,749 alleles (0.2%); highest among the groups gnomAD compares: South Asian, 3%; 25 homozygotes.

Submissions (5):

CeGaT Center for Human Genetics Tuebingen
Classification: Benign. Last evaluated: 2025-03-01. Review status: criteria provided, single submitter. Criteria: CeGaT Center For Human Genetics Tuebingen Variant Classification Criteria Version 2. Collection method: clinical testing. Allele origin: germline. Affected: yes. Observed: 5 variant alleles.
Comment: SERPINA7: BP4, BS1, BS2

Department of Pathology and Laboratory Medicine, Sinai Health System
Classification: Likely benign for SERPINA7-related disorder. Last evaluated: 2021-07-30. Review status: criteria provided, single submitter. Criteria: ACMG Guidelines, 2015. Collection method: research. Allele origin: germline.

Labcorp Genetics (formerly Invitae), Labcorp
Classification: Benign. Last evaluated: 2019-12-31. Review status: criteria provided, single submitter. Criteria: Invitae Variant Classification Sherloc (09022015). Collection method: clinical testing. Allele origin: germline.

Soonchunhyang University Bucheon Hospital, Soonchunhyang University Medical Center
Classification: Uncertain significance. Last evaluated: 2016-03-18. Review status: criteria provided, single submitter. Criteria: ACMG Guidelines, 2015. Collection method: reference population. Allele origin: germline. Observed: 1 variant allele.

OMIM
Classification: Pathogenic for THYROXINE-BINDING GLOBULIN, VARIANT A. Last evaluated: 1989-04-01. Review status: no assertion criteria provided. Collection method: literature only. Allele origin: germline. Not counted in ClinVar's aggregate classification.

Literature cited by the submitters: PubMed 2495303 (cited by Soonchunhyang University Bucheon Hospital, Soonchunhyang University Medical Center and OMIM).